The following is an entry in ClinVar:

NM_001128431.4(SLC39A14):c.751-4C>A

Gene: SLC39A14 (solute carrier family 39 member 14; plus strand). Cytogenetic location: 8p21.3.
Variant type: single nucleotide variant.
Coding change: c.751-4C>A on transcript NM_001128431.4 (MANE Select); 4 bases into the intron before coding-DNA position 751, C replaced by A.
Molecular consequence: intron variant.
Genome position (GRCh38, 1-based): chr8:22,415,765, C>A. VCF-style: chr8-22415765-C-A. GRCh37 (hg19) VCF-style: chr8-22273278-C-A.
Other names: p.?; c.751-4C>A (NM_001135154.3, NM_001351656.2, NM_001351655.2 and 3 more transcripts); c.781-4C>A (NM_001351657.2, NM_001351658.2, NM_001351659.2).
Identifiers: ClinVar variation 710439 (VCV000710439.44), dbSNP rs140164699, ClinGen allele CA4667435.

ClinVar aggregate classification (germline): Benign/Likely benign. Review status: criteria provided, multiple submitters, no conflicts (2 of 4 stars). 4 submissions from 4 submitters: Benign (3); Likely benign (1). Last evaluated 2026-08-01.

Conditions:
Congenital heart disease (CHD). Identifiers: MedGen C0152021, MONDO:0005453. Disease mechanism: unknown.

Allele frequency attached by ClinVar (database versions not stated): 1000 Genomes Project 30x 0.00234; 1000 Genomes Project 0.00260; gnomAD exomes 0.00362 and 0.00606; ExAC 0.00364; TOPMed 0.00367; gnomAD 0.00372 and 0.00380; ESP Exome Variant Server 0.00500.
gnomAD v4.1: 9,324 of 1,607,714 alleles (0.58%); highest among the groups gnomAD compares: Non-Finnish European, 0.71%; 33 homozygotes.

Submissions (4):

CeGaT Center for Human Genetics Tuebingen
Classification: Likely benign. Last evaluated: 2026-08-01. Review status: criteria provided, single submitter. Criteria: CeGaT Center For Human Genetics Tuebingen Variant Classification Criteria Version 2. Collection method: clinical testing. Allele origin: germline. Affected: yes. Observed: 36 variant alleles.
Comment: SLC39A14: BP4, BS2

Labcorp Genetics (formerly Invitae), Labcorp
Classification: Benign. Last evaluated: 2026-01-21. Review status: criteria provided, single submitter. Criteria: Invitae Variant Classification Sherloc (09022015). Collection method: clinical testing. Allele origin: germline.

Mayo Clinic Laboratories, Mayo Clinic
Classification: Benign. Last evaluated: 2024-07-02. Review status: criteria provided, single submitter. Criteria: ACMG Guidelines, 2015. Collection method: clinical testing. Allele origin: germline. Observed: 7 variant alleles.
Comment: BS1, BS2, BP4, BP7

Cambridge Genomics Laboratory, East Genomic Laboratory Hub, NHS Genomic Medicine Service
Classification: Benign for Congenital heart disease. Last evaluated: 2019-08-08. Review status: criteria provided, single submitter. Criteria: ACGS Best Practice Guidelines for Variant Classification in Rare Disease 2020. Collection method: clinical testing. Allele origin: germline. Affected: yes. Observed: 1 variant allele.